The following is an entry in ClinVar:

NM_003000.3(SDHB):c.760C>G (p.Pro254Ala)

Gene: SDHB (succinate dehydrogenase complex iron sulfur subunit B; minus strand). Cytogenetic location: 1p36.13.
Variant type: single nucleotide variant.
Coding change: c.760C>G on transcript NM_003000.3 (MANE Select); coding-DNA position 760, C replaced by G.
Protein change: p.Pro254Ala; replaces proline 254 with alanine.
Molecular consequence: missense variant.
Genome position (GRCh38, 1-based): chr1:17,022,613, G>C on the plus strand (C>G on the coding strand, the complement: SDHB is on the minus strand). VCF-style: chr1-17022613-G-C. GRCh37 (hg19) VCF-style: chr1-17349108-G-C.
Other names: short protein forms P254A.
Identifiers: ClinVar variation 1367715 (VCV001367715.11), dbSNP rs2101513538, ClinGen allele CA338269974.

ClinVar aggregate classification (germline): Uncertain significance. Review status: criteria provided, multiple submitters, no conflicts (2 of 4 stars). 2 submissions from 2 submitters: Uncertain significance (2). Last evaluated 2026-04-03.

Conditions:
Pheochromocytoma. Also called: MAX-Related Hereditary Paraganglioma-Pheochromocytoma Syndrome. Identifiers: Orphanet 29072, MedGen C0031511, MONDO:0008233, OMIM 171300, HP:0002666.
Pheochromocytoma/paraganglioma syndrome 4. Also called: CAROTID BODY TUMORS AND MULTIPLE EXTRAADRENAL PHEOCHROMOCYTOMAS; PARAGANGLIOMA, FAMILIAL MALIGNANT; PARAGANGLIOMAS, HEREDITARY EXTRAADRENAL; PHEOCHROMOCYTOMA, FAMILIAL EXTRAADRENAL; Paragangliomas 4; SDHB-Related Hereditary Paraganglioma-Pheochromocytoma Syndrome (Paragangliomas 4). Identifiers: Orphanet 29072, MedGen C1861848, MONDO:0007273, OMIM 115310.
Gastrointestinal stromal tumor. Also called: Gastrointestinal stroma tumor; Gastrointestinal stromal tumor, somatic. Identifiers: Orphanet 44890, MedGen C0238198, MeSH D046152, MONDO:0011719, OMIM 606764, HP:0100723.
Hereditary cancer-predisposing syndrome. Also called: Tumor predisposition; Hereditary Cancer Syndrome; Hereditary neoplastic syndrome; Neoplastic Syndromes, Hereditary. Identifiers: Orphanet 140162, MedGen C0027672, MeSH D009386, MONDO:0015356.

Submissions (2):

Ambry Genetics
Classification: Uncertain significance for Hereditary cancer-predisposing syndrome. Last evaluated: 2026-04-03. Review status: criteria provided, single submitter. Criteria: Ambry Variant Classification Scheme 2023. Collection method: clinical testing. Allele origin: germline.
Comment: The p.P254A variant (also known as c.760C>G), located in coding exon 7 of the SDHB gene, results from a C to G substitution at nucleotide position 760. The proline at codon 254 is replaced by alanine, an amino acid with highly similar properties. Based on internal structural analysis, this variant is anticipated to disrupt a region of known function (Inaoka DK et al. Int J Mol Sci, 2015 Jul;16:15287-308; Ambry internal data). This amino acid position is highly conserved in available vertebrate species. In addition, this alteration is predicted to be deleterious by in silico analysis. Since supporting evidence is limited at this time, the clinical significance of this alteration remains unclear.

Labcorp Genetics (formerly Invitae), Labcorp
Classification: Uncertain significance for Gastrointestinal stromal tumor; Pheochromocytoma/paraganglioma syndrome 4; Pheochromocytoma. Last evaluated: 2024-04-04. Review status: criteria provided, single submitter. Criteria: Invitae Variant Classification Sherloc (09022015). Collection method: clinical testing. Allele origin: germline.
Comment: This sequence change replaces proline, which is neutral and non-polar, with alanine, which is neutral and non-polar, at codon 254 of the SDHB protein (p.Pro254Ala). This variant is not present in population databases (gnomAD no frequency). This variant has not been reported in the literature in individuals affected with SDHB-related conditions. ClinVar contains an entry for this variant (Variation ID: 1367715). Advanced modeling of protein sequence and biophysical properties (such as structural, functional, and spatial information, amino acid conservation, physicochemical variation, residue mobility, and thermodynamic stability) performed at Invitae indicates that this missense variant is expected to disrupt SDHB protein function with a positive predictive value of 80%. In summary, the available evidence is currently insufficient to determine the role of this variant in disease. Therefore, it has been classified as a Variant of Uncertain Significance.

Literature cited by the submitters: PubMed 26198225 (cited by Ambry Genetics).